The following is an entry in ClinVar:

NM_001384140.1(PCDH15):c.3085C>A (p.Pro1029Thr)

Gene: PCDH15 (protocadherin related 15; minus strand). Cytogenetic location: 10q21.1.
Variant type: single nucleotide variant.
Coding change: c.3085C>A on transcript NM_001384140.1 (MANE Select); coding-DNA position 3085, C replaced by A.
Protein change: p.Pro1029Thr; replaces proline 1029 with threonine.
Molecular consequence: missense variant.
Genome position (GRCh38, 1-based): chr10:53,959,769, G>T on the plus strand (C>A on the coding strand, the complement: PCDH15 is on the minus strand). VCF-style: chr10-53959769-G-T. GRCh37 (hg19) VCF-style: chr10-55719529-G-T.
Other names: c.3100C>A, p.Pro1034Thr (NM_001142763.2, NM_001142771.2); c.3085C>A, p.Pro1029Thr (NM_001142764.2, NM_001142766.2, NM_001142770.3 and 4 more transcripts); c.2872C>A, p.Pro958Thr (NM_001142765.2); c.2974C>A, p.Pro992Thr (NM_001142767.2); c.3019C>A, p.Pro1007Thr (NM_001142768.2, NM_001142773.2, NM_001354404.2); c.3121C>A, p.Pro1041Thr (NM_001142769.4); c.3106C>A, p.Pro1036Thr (NM_001354411.2); short protein forms P1041T, P992T, P1034T, P1036T, P1007T, P1029T, P958T.
Identifiers: ClinVar variation 1904403 (VCV001904403.5), dbSNP rs2495075794, ClinGen allele CA376520901.
Genomic context (GRCh38, chr10:53,959,769, plus strand): 5'-CAAAATCGGACAGAAATCAATACCTATATTCCTCCTGTGTGAAGCGTGGGATCTCACCAG[G>T]ATGTAAGACAAGAATCTTCACTGTGGCACTGCTGGACATCACAGGCTCCCCATCATCAAA-3'
Protein context (NP_001371069.1, residues 1019-1039): SATVKILVLH[Pro1029Thr]GEIPRFTQEE

ClinVar aggregate classification (germline): Uncertain significance (1 of 4 stars; one submission).

Submission:

Labcorp Genetics (formerly Invitae), Labcorp
Classification: Uncertain significance. Last evaluated: 2025-04-17. Review status: criteria provided, single submitter. Criteria: Invitae Variant Classification Sherloc (09022015). Collection method: clinical testing. Allele origin: germline.
Comment: This sequence change replaces proline, which is neutral and non-polar, with threonine, which is neutral and polar, at codon 1029 of the PCDH15 protein (p.Pro1029Thr). This variant is not present in population databases (gnomAD no frequency). This variant has not been reported in the literature in individuals affected with PCDH15-related conditions. ClinVar contains an entry for this variant (Variation ID: 1904403). Invitae Evidence Modeling of protein sequence and biophysical properties (such as structural, functional, and spatial information, amino acid conservation, physicochemical variation, residue mobility, and thermodynamic stability) has been performed for this missense variant. However, the output from this modeling did not meet the statistical confidence thresholds required to predict the impact of this variant on PCDH15 protein function. In summary, the available evidence is currently insufficient to determine the role of this variant in disease. Therefore, it has been classified as a Variant of Uncertain Significance.